The following is an entry in ClinVar:

ClinVar aggregate classification (germline): Likely pathogenic. Review status: criteria provided, multiple submitters, no conflicts (2 of 4 stars). 2 submissions from 2 submitters: Likely pathogenic (2). Last evaluated 2024-06-20.

Conditions:
Kostmann syndrome (SCN3). Also called: KOSTMANN DISEASE; Autosomal recessive severe congenital neutropenia type 3. Identifiers: Orphanet 99749, MedGen C5235141, MONDO:0012548, OMIM 610738.

Submissions (2):

Natera, Inc.
Classification: Likely pathogenic for Autosomal recessive severe congenital neutropenia type 3. Last evaluated: 2024-06-20. Review status: criteria provided, single submitter. Criteria: Natera Variant Classification Schema (03/2026). Collection method: clinical testing. Allele origin: germline.
Comment: The c.57_58delCA variant in HAX1 is a frameshift variant predicted to shift the reading frame beginning at codon 19 and leads to a stop codon 12 codons downstream. This variant is expected to result in nonsense mediated decay, truncation, or a dysfunctional protein product. This variant is rare in the general population with a frequency below the threshold expected for the associated phenotype(s). Given the available evidence, this variant is classified as Likely Pathogenic.

Fulgent Genetics
Classification: Likely pathogenic for Kostmann syndrome. Last evaluated: 2024-06-13. Review status: criteria provided, single submitter. Criteria: ACMG Guidelines, 2015. Collection method: clinical testing. Allele origin: germline.

NM_006118.4(HAX1):c.57_58del (p.His19fs)

Gene: HAX1 (HCLS1 associated protein X-1; plus strand). Cytogenetic location: 1q21.3.
Variant type: Microsatellite.
Coding change: c.57_58del on transcript NM_006118.4 (MANE Select); coding-DNA positions 57 to 58, 2 bases deleted (CA; older notation c.57_58delCA).
Protein change: p.His19fs; shifts the reading frame from histidine 19.
Molecular consequence: frameshift variant. On other transcripts: intron variant (1).
Genome position (GRCh38, 1-based): chr1:154,273,339-154,273,340, CA deleted; deleting any 2 consecutive bases within chr1:154,273,337-154,273,340 gives the same sequence; the c. name uses the placement nearest the transcript's 3' end. VCF-style (leftmost placement, unchanged base first): chr1-154273336-CCA-C. GRCh37 (hg19) VCF-style: chr1-154245812-CCA-C.
Other names: c.54-141_54-140del (NM_001018837.2); c.57_58delCA (NM_006118.3); short protein forms H19fs.
Identifiers: ClinVar variation 3594587 (VCV003594587.2).